The following is an entry in ClinVar:

ClinVar aggregate classification (germline): Pathogenic. Review status: reviewed by expert panel (3 of 4 stars). 3 submissions from 3 submitters: Pathogenic (1). 2 of the submissions do not count toward it. Last evaluated 2024-05-03.

Conditions:
Idiopathic and/or familial pulmonary arterial hypertension. Identifiers: Orphanet 422, MedGen C5679820, MONDO:0008347.
Pulmonary arterial hypertension. Identifiers: Orphanet 182090, MedGen C2973725, MeSH D000081029, MONDO:0015924, HP:0002092.
Pulmonary hypertension, primary, 1 (PPH1). Also called: Pulmonary hypertension, familial primary, 1, with or without HHT. Identifiers: Orphanet 422, MedGen C4552070, MONDO:0024533, OMIM 178600.

Submissions (3):

Clingen Pulmonary Hypertension Variant Curation Expert Panel, ClinGen
Classification: Pathogenic for Pulmonary arterial hypertension. Last evaluated: 2024-05-03. Review status: reviewed by expert panel. Criteria: ClinGen PH ACMG Specifications BMPR2 V1.1.0. Collection method: curation. Allele origin: germline. Inheritance: Autosomal dominant inheritance.
Comment: The c.901T>C variant (NM_001204.7) in BMPR2 is a missense variant predicted to cause substitution of serine by proline at amino acid 301 (p.Ser301Pro). The variant is absent from gnomAD v2.1.1 and v3.1.2 controls (PM2_supporting). The variant has been identified in 5 probands, meeting the PH VCEP threshold for PS4 (>4 pro bands; PMIDs 16429395, 18356561, 25917481, 29743074, and PH VCEP internal lab contributors). The variant has been identified as a de novo occurrence in one individual with pulmonary arterial hypertension and unconfirmed parental relationships (PM6; PMID 29743074). Immunostaining in Hela cells transfected with a FLAG-tagged c.901C>T BMPR2 expression construct demonstrated impaired subcellular trafficking of BMPRII (PMID: 25688877) and Western-blot analysis of pulmonary artery smooth muscle cells isolated from a patient with the c.901C>T variant showed no BMP4-induced phosphorylation of Smad1/5/8 (PMID: 19324947), indicating an effect on protein function (PS3). This variant resides in a conserved kinase domain (amino acids 203 – 504) but is not defined as a critical residue by the ClinGen PH VCEP (PM1_moderate). In summary, this variant meets the criteria to be classified as pathogenic for pulmonary arterial hypertension based on the ACMG/AMP criteria applied, as specified by the ClinGen Pulmonary Hypertension VCEP (specification version 1.0): PS4, PM6, PM2_Supporting, PS3, PM1_moderate).

Laboratory for Molecular Medicine, Mass General Brigham Personalized Medicine
Classification: Likely pathogenic for Idiopathic and/or familial pulmonary arterial hypertension. Last evaluated: 2020-06-01. Review status: criteria provided, single submitter. Criteria: LMM Criteria. Collection method: clinical testing. Allele origin: germline. Inheritance: Autosomal dominant inheritance. Observed: 1 variant allele. Not counted in ClinVar's aggregate classification.
Comment: The p.Ser301Pro variant in BMPR2 has been reported in at least 7 individuals with pulmonary arterial hypertension (PMIDs: 16429395, 19324947, 25917481, 18356561, 29743074, 27816994), and was reported as de novo in one of the individuals (PMID 29743074). It was absent from large population studies. Computational prediction tools and conservation analyses suggest that this variant may impact the protein, though this information is not predictive enough to determine pathogenicity. In summary, although additional studies are required to fully establish its clinical significance, this variant meets criteria to be classified as likely pathogenic for autosomal dominant pulmonary arterial hypertension. ACMG/AMP Criteria applied: PM2, PM6, PS4_Moderate, PP3.

Rare Disease Genomics Group, St George's University of London
Classification: Uncertain significance for Primary pulmonary hypertension. Review status: no assertion criteria provided. Collection method: literature only. Allele origin: germline. Affected: yes. Not counted in ClinVar's aggregate classification.

Literature cited by the submitters: PubMed 19324947 (cited by Laboratory for Molecular Medicine, Mass General Brigham Personalized Medicine); PubMed 25917481 (cited by Laboratory for Molecular Medicine, Mass General Brigham Personalized Medicine); PubMed 25688877 (cited by Laboratory for Molecular Medicine, Mass General Brigham Personalized Medicine); PubMed 16429395 (cited by Laboratory for Molecular Medicine, Mass General Brigham Personalized Medicine and Rare Disease Genomics Group, St George's University of London); PubMed 29743074 (cited by Laboratory for Molecular Medicine, Mass General Brigham Personalized Medicine); PubMed 27816994 (cited by Laboratory for Molecular Medicine, Mass General Brigham Personalized Medicine); PubMed 18356561 (cited by Laboratory for Molecular Medicine, Mass General Brigham Personalized Medicine and Rare Disease Genomics Group, St George's University of London); PubMed 27811071 (cited by Laboratory for Molecular Medicine, Mass General Brigham Personalized Medicine); PubMed 31797984 (cited by Laboratory for Molecular Medicine, Mass General Brigham Personalized Medicine); PubMed 20534176 (cited by Rare Disease Genomics Group, St George's University of London); PubMed 26387786 (cited by Rare Disease Genomics Group, St George's University of London).

NM_001204.7(BMPR2):c.901T>C (p.Ser301Pro)

Gene: BMPR2 (bone morphogenetic protein receptor type 2; plus strand). Cytogenetic location: 2q33.2.
Variant type: single nucleotide variant.
Coding change: c.901T>C on transcript NM_001204.7 (MANE Select); coding-DNA position 901, T replaced by C.
Protein change: p.Ser301Pro; replaces serine 301 with proline.
Molecular consequence: missense variant.
Genome position (GRCh38, 1-based): chr2:202,520,135, T>C. VCF-style: chr2-202520135-T-C. GRCh37 (hg19) VCF-style: chr2-203384858-T-C.
Other names: NM_001204.7(BMPR2):c.901T>C; short protein forms S301P.
Identifiers: ClinVar variation 228460 (VCV000228460.6), dbSNP rs876657748, ClinGen allele CA10576586.
Genomic context (GRCh38, chr2:202,520,135, plus strand): 5'-TCCTCTATATAGGGATCTTTATGCAAGTATTTAAGTCTCCACACAAGTGACTGGGTAAGC[T>C]CTTGCCGTCTTGCTCATTCTGTTACTAGAGGACTGGCTTATCTTCACACAGAATTACCAC-3'
Protein context (NP_001195.2, residues 291-311): LSLHTSDWVS[Ser301Pro]CRLAHSVTRG